The following is an entry in ClinVar:

ClinVar aggregate classification (germline): Benign/Likely benign. Review status: criteria provided, multiple submitters, no conflicts (2 of 4 stars). 3 submissions from 3 submitters: Benign (1); Likely benign (2). Last evaluated 2026-06-01.

Allele frequency attached by ClinVar (database versions not stated): gnomAD exomes 0.00040; ExAC 0.00143; gnomAD 0.00433; TOPMed 0.00463; 1000 Genomes Project 0.00519; 1000 Genomes Project 30x 0.00531; ESP Exome Variant Server 0.00538.
gnomAD v4.1: 1,290 of 1,613,912 alleles (0.08%); highest among the groups gnomAD compares: African/African-American, 1.4%; 8 homozygotes.

Submissions (3):

CeGaT Center for Human Genetics Tuebingen
Classification: Likely benign. Last evaluated: 2026-06-01. Review status: criteria provided, single submitter. Criteria: CeGaT Center For Human Genetics Tuebingen Variant Classification Criteria Version 2. Collection method: clinical testing. Allele origin: germline. Affected: yes. Observed: 1 variant allele.
Comment: SLC11A2: BP4, BS1

Labcorp Genetics (formerly Invitae), Labcorp
Classification: Benign. Last evaluated: 2025-12-03. Review status: criteria provided, single submitter. Criteria: Invitae Variant Classification Sherloc (09022015). Collection method: clinical testing. Allele origin: germline.

Blueprint Genetics
Classification: Likely benign. Last evaluated: 2024-11-23. Review status: criteria provided, single submitter. Criteria: ACMG Guidelines, 2015. Collection method: clinical testing. Allele origin: germline.

NM_000617.3(SLC11A2):c.1498C>T (p.Arg500Trp)

Gene: SLC11A2 (solute carrier family 11 member 2; minus strand). Cytogenetic location: 12q13.12.
Variant type: single nucleotide variant.
Coding change: c.1498C>T on transcript NM_000617.3 (MANE Select); coding-DNA position 1498, C replaced by T.
Protein change: p.Arg500Trp; replaces arginine 500 with tryptophan.
Molecular consequence: missense variant. On other transcripts: non-coding transcript variant (5).
Genome position (GRCh38, 1-based): chr12:50,990,872, G>A on the plus strand (C>T on the coding strand, the complement: SLC11A2 is on the minus strand). VCF-style: chr12-50990872-G-A. GRCh37 (hg19) VCF-style: chr12-51384655-G-A.
Other names: c.1498C>T, p.Arg500Trp (NM_001414746.1, NM_001174126.2, NM_001174127.2 and 5 more transcripts); c.1387C>T, p.Arg463Trp (NM_001414747.1, NM_001414748.1); c.1261C>T, p.Arg421Trp (NM_001414749.1, NM_001414750.1); c.1585C>T, p.Arg529Trp (NM_001174125.2, NM_001379446.1, NM_001379455.1); c.1486C>T, p.Arg496Trp (NM_001174130.2, NM_001379448.1); short protein forms R421W, R496W, R529W, R500W, R463W.
Identifiers: ClinVar variation 2047551 (VCV002047551.7), dbSNP rs17216086, ClinGen allele CA6566459.